The following is an entry in ClinVar:

ClinVar aggregate classification (germline): Likely benign. Review status: criteria provided, multiple submitters, no conflicts (2 of 4 stars). 2 submissions from 2 submitters: Likely benign (2). Last evaluated 2025-06-24.

Allele frequency attached by ClinVar (database versions not stated): ExAC 0.00002; gnomAD 0.00003 and 0.00004; TOPMed 0.00003; gnomAD exomes 0.00004 and 0.00007; ESP Exome Variant Server 0.00023.
gnomAD v4.1: 107 of 1,613,882 alleles (0.0066%); highest among the groups gnomAD compares: Non-Finnish European, 0.009%; no homozygotes.

Submissions (2):

Labcorp Genetics (formerly Invitae), Labcorp
Classification: Likely benign. Last evaluated: 2025-06-24. Review status: criteria provided, single submitter. Criteria: Invitae Variant Classification Sherloc (09022015). Collection method: clinical testing. Allele origin: germline.

Laboratory for Molecular Medicine, Mass General Brigham Personalized Medicine
Classification: Likely benign. Last evaluated: 2012-04-30. Review status: criteria provided, single submitter. Criteria: LMM Criteria. Collection method: clinical testing. Allele origin: germline. Observed: 1 variant allele.
Comment: Leu51Leu in Exon 03 of CCDC50: This variant is not expected to have clinical sig nificance because it does not alter an amino acid residue, is not located within the splice consensus sequence, and has been identified in 1/7020 European Ameri can chromosomes from a broad population by the NHLBI Exome Sequencing Project.

NM_178335.3(CCDC50):c.153G>A (p.Leu51=)

Gene: CCDC50 (coiled-coil domain containing 50; plus strand). Cytogenetic location: 3q28.
Variant type: single nucleotide variant.
Coding change: c.153G>A on transcript NM_178335.3 (MANE Select); coding-DNA position 153, G replaced by A.
Protein change: p.Leu51=; no amino-acid change (leucine 51 retained).
Molecular consequence: synonymous variant.
Genome position (GRCh38, 1-based): chr3:191,358,038, G>A. VCF-style: chr3-191358038-G-A. GRCh37 (hg19) VCF-style: chr3-191075827-G-A.
Other names: c.153G>A, p.Leu51= (NM_174908.4).
Identifiers: ClinVar variation 162854 (VCV000162854.8), dbSNP rs201015131, ClinGen allele CA175440.